The following is an entry in ClinVar:

NM_170754.4(TNS2):c.1720G>A (p.Gly574Arg)

Gene: TNS2 (tensin 2; plus strand). Cytogenetic location: 12q13.13.
Variant type: single nucleotide variant.
Coding change: c.1720G>A on transcript NM_170754.4 (MANE Select); coding-DNA position 1720, G replaced by A.
Protein change: p.Gly574Arg; replaces glycine 574 with arginine.
Molecular consequence: missense variant.
Genome position (GRCh38, 1-based): chr12:53,059,361, G>A. VCF-style: chr12-53059361-G-A. GRCh37 (hg19) VCF-style: chr12-53453145-G-A.
Other names: c.1750G>A (NM_015319.2); c.1720G>A, p.Gly574Arg (NM_001416202.1); c.1678G>A, p.Gly560Arg (NM_001416203.1); c.1747G>A, p.Gly583Arg (NM_001416204.1); c.1651G>A, p.Gly551Arg (NM_015319.3); c.1348G>A, p.Gly450Arg (NM_198316.2); short protein forms G450R, G551R, G560R, G574R, G583R.
Identifiers: ClinVar variation 2882934 (VCV002882934.4), dbSNP rs553001534, ClinGen allele CA6592441.

ClinVar aggregate classification (germline): Uncertain significance. Review status: criteria provided, multiple submitters, no conflicts (2 of 4 stars). 2 submissions from 2 submitters: Uncertain significance (2). Last evaluated 2024-10-20.

Allele frequency attached by ClinVar (database versions not stated): gnomAD 0.00005; gnomAD exomes 0.00005; TOPMed 0.00007; 1000 Genomes Project 0.00020; ExAC 0.00025; 1000 Genomes Project 30x 0.00031.

Submissions (2):

Ambry Genetics
Classification: Uncertain significance. Last evaluated: 2024-10-20. Review status: criteria provided, single submitter. Criteria: Ambry Variant Classification Scheme 2023. Collection method: clinical testing. Allele origin: germline.

Labcorp Genetics (formerly Invitae), Labcorp
Classification: Uncertain significance. Last evaluated: 2024-01-18. Review status: criteria provided, single submitter. Criteria: Invitae Variant Classification Sherloc (09022015). Collection method: clinical testing. Allele origin: germline.
Comment: This sequence change replaces glycine, which is neutral and non-polar, with arginine, which is basic and polar, at codon 584 of the TNS2 protein (p.Gly584Arg). The frequency data for this variant in the population databases is considered unreliable, as metrics indicate poor data quality at this position in the gnomAD database. This variant has not been reported in the literature in individuals affected with TNS2-related conditions. An algorithm developed to predict the effect of missense changes on protein structure and function (PolyPhen-2) suggests that this variant is likely to be tolerated. In summary, the available evidence is currently insufficient to determine the role of this variant in disease. Therefore, it has been classified as a Variant of Uncertain Significance.